The following is an entry in ClinVar:

NM_014370.4(SRPK3):c.775-2A>G

Gene: SRPK3 (SRSF protein kinase 3; plus strand). Cytogenetic location: Xq28.
Variant type: single nucleotide variant.
Coding change: c.775-2A>G on transcript NM_014370.4 (MANE Select); the canonical splice acceptor site of the intron before coding-DNA position 775, A replaced by G.
Molecular consequence: splice acceptor variant. On other transcripts: intron variant (2).
Genome position (GRCh38, 1-based): chrX:153,783,750, A>G. VCF-style: chrX-153783750-A-G. GRCh37 (hg19) VCF-style: chrX-153049205-A-G.
Other names: c.775-5A>G (NM_001170760.2, NM_001170761.2).
Identifiers: ClinVar variation 3682494 (VCV003682494.2).

ClinVar aggregate classification (germline): Uncertain significance (1 of 4 stars; one submission).

Submission:

Labcorp Genetics (formerly Invitae), Labcorp
Classification: Uncertain significance. Last evaluated: 2025-04-23. Review status: criteria provided, single submitter. Criteria: Invitae Variant Classification Sherloc (09022015). Collection method: clinical testing. Allele origin: germline.
Comment: This sequence change affects an acceptor splice site in intron 8 of the SRPK3 gene. It is expected to disrupt RNA splicing. Variants that disrupt the donor or acceptor splice site typically lead to a loss of protein function (PMID: 16199547), however the current clinical and genetic evidence is not sufficient to establish whether loss-of-function variants in SRPK3 cause disease. This variant is not present in population databases (gnomAD no frequency). This variant has not been reported in the literature in individuals affected with SRPK3-related conditions. ClinVar contains an entry for this variant (Variation ID: 3682494). Algorithms developed to predict the effect of sequence changes on RNA splicing suggest that this variant may disrupt the consensus splice site. In summary, the available evidence is currently insufficient to determine the role of this variant in disease. Therefore, it has been classified as a Variant of Uncertain Significance.

Literature cited by the submitters: PubMed 16199547.